The following is an entry in ClinVar:

NM_001384140.1(PCDH15):c.4801G>A (p.Gly1601Ser)

Gene: PCDH15 (protocadherin related 15; minus strand). Cytogenetic location: 10q21.1.
Variant type: single nucleotide variant.
Coding change: c.4801G>A on transcript NM_001384140.1 (MANE Select); coding-DNA position 4801, G replaced by A.
Protein change: p.Gly1601Ser; replaces glycine 1601 with serine.
Molecular consequence: missense variant.
Genome position (GRCh38, 1-based): chr10:53,807,001, C>T on the plus strand (G>A on the coding strand, the complement: PCDH15 is on the minus strand). VCF-style: chr10-53807001-C-T. GRCh37 (hg19) VCF-style: chr10-55566761-C-T.
Other names: c.4735G>A (NM_001354429.1); c.4627G>A, p.Gly1543Ser (NM_001142771.2); c.4612G>A, p.Gly1538Ser (NM_001142772.2); c.4606G>A, p.Gly1536Ser (NM_001354420.2); c.4735G>A, p.Gly1579Ser (NM_001354429.2); short protein forms G1543S, G1538S, G1536S, G1579S, G1601S.
Identifiers: ClinVar variation 227836 (VCV000227836.13), dbSNP rs181306086, ClinGen allele CA5504603.
Genomic context (GRCh38, chr10:53,807,001, plus strand): 5'-CCGTGAGGCAGGCACGGCGGGTTCTCACCACAGAACCATTCTGTGCAATATATATATTGC[C>T]GTTGATATTACTGTGGATACTAGGATGGTGAAGACGGTTTCTCTGACATTCAGGAGCACT-3'
Protein context (NP_001371069.1, residues 1591-1611): HHPSIHSNIN[Gly1601Ser]NIYIAQNGSV

ClinVar aggregate classification (germline): Conflicting classifications of pathogenicity. Review status: criteria provided, conflicting classifications (1 of 4 stars). 5 submissions from 5 submitters: Uncertain significance (1); Likely benign (3). 1 of the submissions does not count toward it. Last evaluated 2024-09-11.

Conditions:
PCDH15-related disorder. Also called: PCDH15-related condition; PCDH15-related disorders.

Allele frequency attached by ClinVar (database versions not stated): gnomAD exomes 0.00013 and 0.00033; ExAC 0.00037; 1000 Genomes Project 0.00060; 1000 Genomes Project 30x 0.00078; gnomAD 0.00128 and 0.00140; ESP Exome Variant Server 0.00165; TOPMed 0.00166.
gnomAD v4.1: 392 of 1,613,482 alleles (0.024%); highest among the groups gnomAD compares: African/African-American, 0.44%; 1 homozygote.

Submissions (5):

Blueprint Genetics
Classification: Likely benign. Last evaluated: 2024-09-11. Review status: criteria provided, single submitter. Criteria: ACMG Guidelines, 2015. Collection method: clinical testing. Allele origin: germline.

GeneDx
Classification: Uncertain significance. Last evaluated: 2017-08-31. Review status: criteria provided, single submitter. Criteria: GeneDx Variant Classification (06012015). Collection method: clinical testing. Allele origin: germline. Affected: yes.
Comment: The G1543S variant in the PCDH15 gene has not been reported previously as a pathogenic variant, nor as a benign variant, to our knowledge. The G1543S variant is observed in 37/9726 (0.38%) alleles from individuals of African background in the ExAC dataset (Lek et al., 2016). The G1543S variant is a non-conservative amino acid substitution, which occurs at a position that is conserved across species. In silico analysis predicts this variant is probably damaging to the protein structure/function. We interpret G1543S as a variant of uncertain significance.

Eurofins Ntd Llc (ga)
Classification: Likely benign. Last evaluated: 2016-02-26. Review status: criteria provided, single submitter. Criteria: EGL Classification Definitions 2015. Collection method: clinical testing. Allele origin: germline. Observed: 1 variant allele, 1 heterozygote.

Laboratory for Molecular Medicine, Mass General Brigham Personalized Medicine
Classification: Likely benign. Last evaluated: 2015-05-14. Review status: criteria provided, single submitter. Criteria: LMM Criteria. Collection method: clinical testing. Allele origin: germline. Observed: 1 variant allele.
Comment: p.Gly1543Ser in Exon 36C of PCDH15: This variant is not expected to have clinica l significance because it has been identified in 0.4% (37/9726) of African chrom osomes by the Exome Aggregation Consortium (ExAC ; dbSNP rs181306086).

PreventionGenetics, part of Exact Sciences
Classification: Likely benign for PCDH15-related condition. Last evaluated: 2023-12-07. Review status: no assertion criteria provided. Collection method: clinical testing. Allele origin: germline. Not counted in ClinVar's aggregate classification.
Comment: This variant is classified as likely benign based on ACMG/AMP sequence variant interpretation guidelines (Richards et al. 2015 PMID: 25741868, with internal and published modifications).